The following is an entry in ClinVar:

ClinVar aggregate classification (germline): Uncertain significance. Review status: criteria provided, multiple submitters, no conflicts (2 of 4 stars). 3 submissions from 3 submitters: Uncertain significance (2). 1 of the submissions does not count toward it. Last evaluated 2024-03-22.

Conditions:
INPP5E-related disorder. Also called: INPP5E-related condition.
MORM syndrome (MORMS). Identifiers: Orphanet 75858, MedGen C1857802, MONDO:0012423, OMIM 610156.
Joubert syndrome 1 (JBTS1). Also called: Cerebellooculorenal syndrome 1; CEREBELLOPARENCHYMAL DISORDER IV. Identifiers: MedGen C4551568, MONDO:0008944, OMIM 213300.
Joubert syndrome. Also called: JOUBERT-BOLTSHAUSER SYNDROME; Familial aplasia of the vermis. Identifiers: Orphanet 475, MedGen C5979921, MONDO:0018772.

Allele frequency attached by ClinVar (database versions not stated): 1000 Genomes Project 30x 0.00016; 1000 Genomes Project 0.00020; gnomAD exomes below 0.00001; TOPMed 0.00010.
gnomAD v4.1: 11 of 1,583,998 alleles (0.00069%); highest among the groups gnomAD compares: African/African-American, 0.013%; no homozygotes.

Submissions (3):

Fulgent Genetics
Classification: Uncertain significance for Joubert syndrome 1; MORM syndrome. Last evaluated: 2024-03-22. Review status: criteria provided, single submitter. Criteria: ACMG Guidelines, 2015. Collection method: clinical testing. Allele origin: germline.

Labcorp Genetics (formerly Invitae), Labcorp
Classification: Uncertain significance for Joubert syndrome. Last evaluated: 2022-06-13. Review status: criteria provided, single submitter. Criteria: Invitae Variant Classification Sherloc (09022015). Collection method: clinical testing. Allele origin: germline.
Comment: This sequence change replaces arginine, which is basic and polar, with histidine, which is basic and polar, at codon 95 of the INPP5E protein (p.Arg95His). The frequency data for this variant in the population databases is considered unreliable, as metrics indicate poor data quality at this position in the gnomAD database. This variant has not been reported in the literature in individuals affected with INPP5E-related conditions. ClinVar contains an entry for this variant (Variation ID: 843905). Advanced modeling of protein sequence and biophysical properties (such as structural, functional, and spatial information, amino acid conservation, physicochemical variation, residue mobility, and thermodynamic stability) performed at Invitae indicates that this missense variant is not expected to disrupt INPP5E protein function. In summary, the available evidence is currently insufficient to determine the role of this variant in disease. Therefore, it has been classified as a Variant of Uncertain Significance.

PreventionGenetics, part of Exact Sciences
Classification: Uncertain significance for INPP5E-related condition. Last evaluated: 2024-07-03. Review status: no assertion criteria provided. Collection method: clinical testing. Allele origin: germline. Not counted in ClinVar's aggregate classification.
Comment: The INPP5E c.284G>A variant is predicted to result in the amino acid substitution p.Arg95His. To our knowledge, this variant has not been reported in the literature. This variant is reported in 0.010% of alleles in individuals of African descent in gnomAD. At this time, the clinical significance of this variant is uncertain due to the absence of conclusive functional and genetic evidence.

NM_019892.6(INPP5E):c.284G>A (p.Arg95His)

Gene: INPP5E (inositol polyphosphate-5-phosphatase E; minus strand). Cytogenetic location: 9q34.3.
Variant type: single nucleotide variant.
Coding change: c.284G>A on transcript NM_019892.6 (MANE Select); coding-DNA position 284, G replaced by A.
Protein change: p.Arg95His; replaces arginine 95 with histidine.
Molecular consequence: missense variant.
Genome position (GRCh38, 1-based): chr9:136,439,136, C>T on the plus strand (G>A on the coding strand, the complement: INPP5E is on the minus strand). VCF-style: chr9-136439136-C-T. GRCh37 (hg19) VCF-style: chr9-139333588-C-T.
Other names: c.284G>A, p.Arg95His (NM_001318502.2); c.284G>A (NM_019892.5); short protein forms R95H.
Identifiers: ClinVar variation 843905 (VCV000843905.9), dbSNP rs192637923, ClinGen allele CA201649162.